The following is an entry in ClinVar:

ClinVar aggregate classification (germline): Likely benign (1 of 4 stars; one submission).

gnomAD v4.1: 63 of 1,613,678 alleles (0.0039%); highest among the groups gnomAD compares: African/African-American, 0.059%; 1 homozygote.

Submission:

CeGaT Center for Human Genetics Tuebingen
Classification: Likely benign. Last evaluated: 2026-03-01. Review status: criteria provided, single submitter. Criteria: CeGaT Center For Human Genetics Tuebingen Variant Classification Criteria Version 2. Collection method: clinical testing. Allele origin: germline. Affected: yes. Observed: 1 variant allele.
Comment: KCNC2: BP4, BP7

NM_139137.4(KCNC2):c.1029G>T (p.Val343=)

Gene: KCNC2 (potassium voltage-gated channel subfamily C member 2; minus strand). Cytogenetic location: 12q21.1.
Variant type: single nucleotide variant.
Coding change: c.1029G>T on transcript NM_139137.4 (MANE Select); coding-DNA position 1029, G replaced by T.
Protein change: p.Val343=; no amino-acid change (valine 343 retained).
Molecular consequence: synonymous variant. On other transcripts: non-coding transcript variant (1).
Genome position (GRCh38, 1-based): chr12:75,050,976, C>A on the plus strand (G>T on the coding strand, the complement: KCNC2 is on the minus strand). VCF-style: chr12-75050976-C-A. GRCh37 (hg19) VCF-style: chr12-75444756-C-A.
Other names: c.1029G>T, p.Val343= (NM_001414198.1, NM_001414199.1, NM_001414202.1 and 13 more transcripts).
Identifiers: ClinVar variation 4822431 (VCV004822431.4).